The following is an entry in ClinVar:

NM_018026.4(PACS1):c.1677T>G (p.Asp559Glu)

Gene: PACS1 (phosphofurin acidic cluster sorting protein 1; plus strand). Cytogenetic location: 11q13.2.
Variant type: single nucleotide variant.
Coding change: c.1677T>G on transcript NM_018026.4 (MANE Select); coding-DNA position 1677, T replaced by G.
Protein change: p.Asp559Glu; replaces aspartic acid 559 with glutamic acid.
Molecular consequence: missense variant.
Genome position (GRCh38, 1-based): chr11:66,232,222, T>G. VCF-style: chr11-66232222-T-G. GRCh37 (hg19) VCF-style: chr11-65999693-T-G.
Other names: short protein forms D559E.
Identifiers: ClinVar variation 2698261 (VCV002698261.3), dbSNP rs2495584774, ClinGen allele CA381369263.

ClinVar aggregate classification (germline): Uncertain significance (1 of 4 stars; one submission).

Conditions:
Schuurs-Hoeijmakers syndrome. Also called: PACS1-Related Neurodevelopmental Disorder. Identifiers: Orphanet 329224, MedGen C3554343, MONDO:0014006, OMIM 615009.

Allele frequency attached by ClinVar (database versions not stated): gnomAD exomes below 0.00001.
gnomAD v4.1: 1 of 1,613,924 alleles (0.000062%); highest among the groups gnomAD compares: South Asian, 0.0011%; no homozygotes.

Submission:

Labcorp Genetics (formerly Invitae), Labcorp
Classification: Uncertain significance for Schuurs-Hoeijmakers syndrome. Last evaluated: 2023-11-24. Review status: criteria provided, single submitter. Criteria: Invitae Variant Classification Sherloc (09022015). Collection method: clinical testing. Allele origin: germline.
Comment: This sequence change replaces aspartic acid, which is acidic and polar, with glutamic acid, which is acidic and polar, at codon 559 of the PACS1 protein (p.Asp559Glu). This variant is not present in population databases (gnomAD no frequency). This variant has not been reported in the literature in individuals affected with PACS1-related conditions. Advanced modeling of protein sequence and biophysical properties (such as structural, functional, and spatial information, amino acid conservation, physicochemical variation, residue mobility, and thermodynamic stability) performed at Invitae indicates that this missense variant is not expected to disrupt PACS1 protein function with a negative predictive value of 80%. In summary, the available evidence is currently insufficient to determine the role of this variant in disease. Therefore, it has been classified as a Variant of Uncertain Significance.